The following is an entry in ClinVar:

ClinVar aggregate classification (germline): Pathogenic (1 of 4 stars; one submission).

Conditions:
Hereditary breast ovarian cancer syndrome. Also called: Hereditary breast and ovarian cancer syndrome; Hereditary breast and/or ovarian cancer syndrome; Hereditary breast and ovarian cancer syndrome (HBOC); Breast and ovarian cancer; BRCA1- and BRCA2-Associated Hereditary Breast and Ovarian Cancer; Hereditary breast and ovarian cancer. Identifiers: Orphanet 145, MedGen C0677776, MeSH D061325, MONDO:0003582. Disease mechanism: loss of function.

Submission:

Labcorp Genetics (formerly Invitae), Labcorp
Classification: Pathogenic for Hereditary breast and ovarian cancer syndrome. Last evaluated: 2020-01-08. Review status: criteria provided, single submitter. Criteria: Invitae Variant Classification Sherloc (09022015). Collection method: clinical testing. Allele origin: germline.
Comment: This sequence change is a gross deletion of the genomic region encompassing exons 1-2 of the BRCA1 gene, which includes the initiator codon. The 5' end of this event is unknown as it extends beyond the assayed region for this gene and therefore may encompass additional genes. The 3' boundary is likely confined to intron 2 of the BRCA1 gene. This is expected to result in an absent or disrupted protein product. Deletions of exons 1-2 have been reported in several individuals affected with breast cancer (PMID: 24825132, 23640417, 23479189, 21120943, 207276720). Loss-of-function variants in BRCA1 are known to be pathogenic (PMID: 20104584). For these reasons, this variant has been classified as Pathogenic.

Literature cited by the submitters: PubMed 23479189; PubMed 24825132; PubMed 207276720; PubMed 21120943; PubMed 23640417.

NC_000017.11:g.(?_43123997)_(43125483_?)del

Genes: BRCA1 (BRCA1 DNA repair associated; minus strand), LOC111589215 (BRCA1 promoter region; plus strand). Cytogenetic location: 17q21.31.
Variant type: Deletion.
Identifiers: ClinVar variation 584147 (VCV000584147.3).